The following is an entry in ClinVar:

NM_014043.4(CHMP2B):c.219G>A (p.Thr73=)

Gene: CHMP2B (charged multivesicular body protein 2B; plus strand). Cytogenetic location: 3p11.2.
Variant type: single nucleotide variant.
Coding change: c.219G>A on transcript NM_014043.4 (MANE Select); coding-DNA position 219, G replaced by A.
Protein change: p.Thr73=; no amino-acid change (threonine 73 retained).
Molecular consequence: synonymous variant.
Genome position (GRCh38, 1-based): chr3:87,245,806, G>A. VCF-style: chr3-87245806-G-A. GRCh37 (hg19) VCF-style: chr3-87294956-G-A.
Other names: p.Thr73=; c.96G>A, p.Thr32= (NM_001244644.2).
Identifiers: ClinVar variation 1668858 (VCV001668858.9), dbSNP rs754433917, ClinGen allele CA2500939.

ClinVar aggregate classification (germline): Likely benign. Review status: criteria provided, multiple submitters, no conflicts (2 of 4 stars). 2 submissions from 2 submitters: Likely benign (2). Last evaluated 2025-01-06.

Conditions:
Frontotemporal dementia and/or amyotrophic lateral sclerosis 7 (FTDALS7). Also called: AMYOTROPHIC LATERAL SCLEROSIS, CHMP2B-RELATED; Amyotrophic lateral sclerosis 17; CHMP2B-Related Frontotemporal Dementia-Amyotrophic Lateral Sclerosis; CHMP2B-related frontotemporal dementia. Identifiers: Orphanet 275864, Orphanet 282, Orphanet 803, MedGen C1833296, MONDO:0010936, OMIM 600795.

Allele frequency attached by ClinVar (database versions not stated): gnomAD exomes below 0.00001 and 0.00001; ExAC 0.00001; gnomAD 0.00003.
gnomAD v4.1: 21 of 1,613,662 alleles (0.0013%); highest among the groups gnomAD compares: African/African-American, 0.004%; no homozygotes.

Submissions (2):

Mayo Clinic Laboratories, Mayo Clinic
Classification: Likely benign. Last evaluated: 2025-01-06. Review status: criteria provided, single submitter. Criteria: ACMG Guidelines, 2015. Collection method: clinical testing. Allele origin: germline. Observed: 1 variant allele.
Comment: BS2, BP4, BP7

Labcorp Genetics (formerly Invitae), Labcorp
Classification: Likely benign for Frontotemporal dementia and/or amyotrophic lateral sclerosis 7. Last evaluated: 2024-11-19. Review status: criteria provided, single submitter. Criteria: Invitae Variant Classification Sherloc (09022015). Collection method: clinical testing. Allele origin: germline.